The following is an entry in ClinVar:

NM_005431.2(XRCC2):c.217G>A (p.Gly73Ser)

Gene: XRCC2 (X-ray repair cross complementing 2; minus strand). Cytogenetic location: 7q36.1.
Variant type: single nucleotide variant.
Coding change: c.217G>A on transcript NM_005431.2 (MANE Select); coding-DNA position 217, G replaced by A.
Protein change: p.Gly73Ser; replaces glycine 73 with serine.
Molecular consequence: missense variant.
Genome position (GRCh38, 1-based): chr7:152,649,268, C>T on the plus strand (G>A on the coding strand, the complement: XRCC2 is on the minus strand). VCF-style: chr7-152649268-C-T. GRCh37 (hg19) VCF-style: chr7-152346353-C-T.
Other names: short protein forms G73S.
Identifiers: ClinVar variation 2765765 (VCV002765765.3), dbSNP rs2485881928, ClinGen allele CA370199179.

ClinVar aggregate classification (germline): Uncertain significance (1 of 4 stars; one submission).

Allele frequency attached by ClinVar (database versions not stated): gnomAD exomes below 0.00001.
gnomAD v4.1: 2 of 1,613,712 alleles (0.00012%); highest among the groups gnomAD compares: Non-Finnish European, 0.00017%; no homozygotes.

Submission:

Labcorp Genetics (formerly Invitae), Labcorp
Classification: Uncertain significance. Last evaluated: 2023-12-13. Review status: criteria provided, single submitter. Criteria: Invitae Variant Classification Sherloc (09022015). Collection method: clinical testing. Allele origin: germline.
Comment: This sequence change replaces glycine, which is neutral and non-polar, with serine, which is neutral and polar, at codon 73 of the XRCC2 protein (p.Gly73Ser). This variant is not present in population databases (gnomAD no frequency). This variant has not been reported in the literature in individuals affected with XRCC2-related conditions. An algorithm developed to predict the effect of missense changes on protein structure and function (PolyPhen-2) suggests that this variant is likely to be disruptive. Algorithms developed to predict the effect of sequence changes on RNA splicing suggest that this variant may create or strengthen a splice site. In summary, the available evidence is currently insufficient to determine the role of this variant in disease. Therefore, it has been classified as a Variant of Uncertain Significance.